The following is an entry in ClinVar:

ClinVar aggregate classification (germline): Pathogenic (1 of 4 stars; one submission).

Submission:

Labcorp Genetics (formerly Invitae), Labcorp
Classification: Pathogenic. Last evaluated: 2021-10-14. Review status: criteria provided, single submitter. Criteria: Invitae Variant Classification Sherloc (09022015). Collection method: clinical testing. Allele origin: germline.
Comment: This variant is not present in population databases (ExAC no frequency). This missense change has been observed in individuals with deafness and nonsyndromic enlarged vestibular aqueduct (PMID: 16570074, 19786220, 22289209, 23385134, 25372295). It has also been observed to segregate with disease in related individuals. Algorithms developed to predict the effect of missense changes on protein structure and function are either unavailable or do not agree on the potential impact of this missense change (SIFT: "Deleterious"; PolyPhen-2: "Probably Damaging"; Align-GVGD: "Class C0"). For these reasons, this variant has been classified as Pathogenic. This sequence change replaces serine with arginine at codon 391 of the SLC26A4 protein (p.Ser391Arg). The serine residue is highly conserved and there is a moderate physicochemical difference between serine and arginine.

Literature cited by the submitters: PubMed 16570074; PubMed 19786220; PubMed 22289209; PubMed 23385134; PubMed 25372295.

NM_000441.2(SLC26A4):c.1171A>C (p.Ser391Arg)

Gene: SLC26A4 (solute carrier family 26 member 4; plus strand). Cytogenetic location: 7q22.3.
Variant type: single nucleotide variant.
Coding change: c.1171A>C on transcript NM_000441.2 (MANE Select); coding-DNA position 1171, A replaced by C.
Protein change: p.Ser391Arg; replaces serine 391 with arginine.
Molecular consequence: missense variant.
Genome position (GRCh38, 1-based): chr7:107,690,145, A>C. VCF-style: chr7-107690145-A-C. GRCh37 (hg19) VCF-style: chr7-107330590-A-C.
Other names: short protein forms S391R.
Identifiers: ClinVar variation 862716 (VCV000862716.8), dbSNP rs1791526034, ClinGen allele CA368839153.